The following is an entry in ClinVar:

NM_001349253.2(SCN11A):c.344_346delinsG (p.Phe115_Asn116delinsTer)

Gene: SCN11A (sodium voltage-gated channel alpha subunit 11; minus strand). Cytogenetic location: 3p22.2.
Variant type: Indel.
Coding change: c.344_346delinsG on transcript NM_001349253.2 (MANE Select); coding-DNA positions 344 to 346, TCA replaced by G.
Protein change: p.Phe115_Asn116delinsTer.
Molecular consequence: nonsense.
Genome position (GRCh38, 1-based): chr3:38,946,829-38,946,831, TGA replaced by C on the plus strand (TCA replaced by G on the coding strand, the reverse complement: SCN11A is on the minus strand). VCF-style: chr3-38946829-TGA-C. GRCh37 (hg19) VCF-style: chr3-38988320-TGA-C.
Identifiers: ClinVar variation 541576 (VCV000541576.5), dbSNP rs1553644026, ClinGen allele CA658796284.
Genomic context (GRCh38, chr3:38,946,829, plus strand): 5'-AAGGTGCAATGAAAGGATATGAATGGACTGAGACTCTAATGGCTAAACTTCTGATTGAAT[TGA>C]AAGGCCCAAAAATGAACAAGGCATGCTTGGCACTGAAGCGGTAGATTGTCCTCTTTCTGT-3'

ClinVar aggregate classification (germline): Uncertain significance (1 of 4 stars; one submission).

Conditions:
Hereditary sensory and autonomic neuropathy type 7. Also called: Neuropathy, hereditary sensory and autonomic, type VII; HSAN VII. Identifiers: Orphanet 391397, MedGen C3809882, MONDO:0014244, OMIM 615548.
Familial episodic pain syndrome with predominantly lower limb involvement. Also called: Episodic pain syndrome, familial, 3. Identifiers: Orphanet 391384, Orphanet 391392, MedGen C3809899, MONDO:0014247, OMIM 615552.

Submission:

Labcorp Genetics (formerly Invitae), Labcorp
Classification: Uncertain significance for Familial episodic pain syndrome with predominantly lower limb involvement; Hereditary sensory and autonomic neuropathy type 7. Last evaluated: 2017-08-29. Review status: criteria provided, single submitter. Criteria: Invitae Variant Classification Sherloc (09022015). Collection method: clinical testing. Allele origin: germline.
Comment: The current clinical and genetic evidence is not sufficient to establish whether loss-of-function variants in SCN11A cause disease. In summary, the available evidence is currently insufficient to determine the role of this variant in disease. Therefore, it has been classified as a Variant of Uncertain Significance. This sequence change creates a premature translational stop signal (p.Phe115*) in the SCN11A gene. It is expected to result in an absent or disrupted protein product. This variant is not present in population databases (ExAC no frequency). This variant has not been reported in the literature in individuals with SCN11A-related disease.